The following is an entry in ClinVar:

ClinVar aggregate classification (germline): Uncertain significance (1 of 4 stars; one submission).

Submission:

GeneDx
Classification: Uncertain significance. Last evaluated: 2024-11-19. Review status: criteria provided, single submitter. Criteria: GeneDx Variant Classification Process June 2021. Collection method: clinical testing. Allele origin: germline. Affected: yes.
Comment: Not observed at significant frequency in large population cohorts (gnomAD); Frameshift variant predicted to result in protein truncation or nonsense mediated decay in a gene or region of a gene for which loss of function is not a well-established mechanism of disease; Has not been previously published as pathogenic or benign to our knowledge

NM_001256012.3(MYH10):c.5406del (p.Glu1803fs)

Gene: MYH10 (myosin heavy chain 10; minus strand). Cytogenetic location: 17p13.1.
Variant type: Deletion.
Coding change: c.5406del on transcript NM_001256012.3 (MANE Select); coding-DNA position 5406, one base deleted (C; older notation c.5406delC).
Protein change: p.Glu1803fs; shifts the reading frame from glutamic acid 1803.
Molecular consequence: frameshift variant.
Genome position (GRCh38, 1-based): chr17:8,480,301, G deleted on the plus strand (C on the coding strand, the reverse complement: MYH10 is on the minus strand); the first of 2 consecutive G bases (chr17:8,480,301-8,480,302); deleting either gives the same sequence. VCF-style (leftmost placement, unchanged base first): chr17-8480300-CG-C. GRCh37 (hg19) VCF-style: chr17-8383618-CG-C.
Other names: c.5340del, p.Glu1781fs (NM_001256095.2); c.5343del, p.Glu1782fs (NM_001375266.1); c.5313del, p.Glu1772fs (NM_005964.5); short protein forms E1772fs, E1781fs, E1782fs, E1803fs.
Identifiers: ClinVar variation 3899436 (VCV003899436.1).